The following is an entry in ClinVar:

ClinVar aggregate classification (germline): Uncertain significance. Review status: criteria provided, multiple submitters, no conflicts (2 of 4 stars). 2 submissions from 2 submitters: Uncertain significance (2). Last evaluated 2025-06-03.

Conditions:
NRP1-related disorder. Also called: NRP1-related condition.

gnomAD v4.1: 20 of 1,610,064 alleles (0.0012%); highest among the groups gnomAD compares: East Asian, 0.0022%; no homozygotes.

Submissions (2):

Ambry Genetics
Classification: Uncertain significance. Last evaluated: 2025-06-03. Review status: criteria provided, single submitter. Criteria: Ambry Variant Classification Scheme 2023. Collection method: clinical testing. Allele origin: germline.

PreventionGenetics, part of Exact Sciences
Classification: Uncertain significance for NRP1-related condition. Last evaluated: 2024-12-05. Review status: criteria provided, single submitter. Criteria: ACMG Guidelines, 2015. Collection method: clinical testing. Allele origin: germline.
Comment: The NRP1 c.410G>A variant is predicted to result in the amino acid substitution p.Arg137His. To our knowledge, this variant has not been reported in the literature. This variant is reported in 0.0055% of alleles in individuals of East Asian descent in gnomAD. At this time, the clinical significance of this variant is uncertain due to the absence of conclusive functional and genetic evidence.

NM_003873.7(NRP1):c.410G>A (p.Arg137His)

Gene: NRP1 (neuropilin 1; minus strand). Cytogenetic location: 10p11.22.
Variant type: single nucleotide variant.
Coding change: c.410G>A on transcript NM_003873.7 (MANE Select); coding-DNA position 410, G replaced by A.
Protein change: p.Arg137His; replaces arginine 137 with histidine.
Molecular consequence: missense variant.
Genome position (GRCh38, 1-based): chr10:33,270,695, C>T on the plus strand (G>A on the coding strand, the complement: NRP1 is on the minus strand). VCF-style: chr10-33270695-C-T. GRCh37 (hg19) VCF-style: chr10-33559623-C-T.
Other names: c.410G>A, p.Arg137His (NM_001024628.3, NM_001024629.3, NM_001244972.2 and 2 more transcripts); short protein forms R137H.
Identifiers: ClinVar variation 3921908 (VCV003921908.2).